The following is an entry in ClinVar:

ClinVar aggregate classification (germline): Uncertain significance (1 of 4 stars; one submission).

Conditions:
Hereditary cancer-predisposing syndrome. Also called: Neoplastic Syndromes, Hereditary; Tumor predisposition; Hereditary neoplastic syndrome; Hereditary Cancer Syndrome. Identifiers: Orphanet 140162, MedGen C0027672, MeSH D009386, MONDO:0015356.

Submission:

Color Diagnostics, LLC DBA Color Health
Classification: Uncertain significance for Hereditary cancer-predisposing syndrome. Last evaluated: 2023-12-05. Review status: criteria provided, single submitter. Criteria: ACMG Guidelines, 2015. Collection method: clinical testing. Allele origin: germline.
Comment: This missense variant replaces leucine with phenylalanine at codon 3334 of the BRCA2 protein. Computational prediction suggests that this variant may not impact protein structure and function (internally defined REVEL score threshold <= 0.5, PMID: 27666373). To our knowledge, functional studies have not been reported for this variant. This variant has not been reported in individuals affected with BRCA2-related disorders in the literature. This variant has not been identified in the general population by the Genome Aggregation Database (gnomAD). The available evidence is insufficient to determine the role of this variant in disease conclusively. Therefore, this variant is classified as a Variant of Uncertain Significance.

NM_000059.4(BRCA2):c.10002G>T (p.Leu3334Phe)

Gene: BRCA2 (BRCA2 DNA repair associated; plus strand). Cytogenetic location: 13q13.1.
Variant type: single nucleotide variant.
Coding change: c.10002G>T on transcript NM_000059.4 (MANE Select); coding-DNA position 10002, G replaced by T.
Protein change: p.Leu3334Phe; replaces leucine 3334 with phenylalanine.
Molecular consequence: missense variant.
Genome position (GRCh38, 1-based): chr13:32,398,515, G>T. VCF-style: chr13-32398515-G-T. GRCh37 (hg19) VCF-style: chr13-32972652-G-T.
Other names: short protein forms L3334F.
Identifiers: ClinVar variation 629297 (VCV000629297.5), dbSNP rs1566261306, ClinGen allele CA387767669.